The following is an entry in ClinVar:

NM_152383.5(DIS3L2):c.1697T>C (p.Leu566Ser)

Gene: DIS3L2 (DIS3 like 3'-5' exoribonuclease 2; plus strand). Cytogenetic location: 2q37.1.
Variant type: single nucleotide variant.
Coding change: c.1697T>C on transcript NM_152383.5 (MANE Select); coding-DNA position 1697, T replaced by C.
Protein change: p.Leu566Ser; replaces leucine 566 with serine.
Molecular consequence: missense variant. On other transcripts: non-coding transcript variant (2), intron variant (1).
Genome position (GRCh38, 1-based): chr2:232,300,077, T>C. VCF-style: chr2-232300077-T-C. GRCh37 (hg19) VCF-style: chr2-233164787-T-C.
Other names: c.1581+36715T>C (NM_001257281.2); short protein forms L566S.
Identifiers: ClinVar variation 1948843 (VCV001948843.5), dbSNP rs2470146037, ClinGen allele CA350978582.

ClinVar aggregate classification (germline): Uncertain significance (1 of 4 stars; one submission).

Conditions:
Perlman syndrome (PRLMNS). Identifiers: Orphanet 2849, MedGen C0796113, MONDO:0009965, OMIM 267000.

Submission:

Labcorp Genetics (formerly Invitae), Labcorp
Classification: Uncertain significance for Perlman syndrome. Last evaluated: 2022-03-29. Review status: criteria provided, single submitter. Criteria: Invitae Variant Classification Sherloc (09022015). Collection method: clinical testing. Allele origin: germline.
Comment: In summary, the available evidence is currently insufficient to determine the role of this variant in disease. Therefore, it has been classified as a Variant of Uncertain Significance. Algorithms developed to predict the effect of missense changes on protein structure and function are either unavailable or do not agree on the potential impact of this missense change (SIFT: "Tolerated"; PolyPhen-2: "Possibly Damaging"; Align-GVGD: "Class C0"). This variant has not been reported in the literature in individuals affected with DIS3L2-related conditions. This variant is not present in population databases (gnomAD no frequency). This sequence change replaces leucine, which is neutral and non-polar, with serine, which is neutral and polar, at codon 566 of the DIS3L2 protein (p.Leu566Ser).